The following is an entry in ClinVar:

ClinVar aggregate classification (germline): Benign (0 of 4 stars; one submission).

Conditions:
MEF2A-related disorder. Also called: MEF2A-related condition.

Allele frequency attached by ClinVar (database versions not stated): TOPMed 0.00008; gnomAD 0.00042; gnomAD exomes 0.00062; ExAC 0.00144; 1000 Genomes Project 30x 0.00359; 1000 Genomes Project 0.00399.
gnomAD v4.1: 973 of 1,613,472 alleles (0.06%); highest among the groups gnomAD compares: South Asian, 0.99%; 12 homozygotes.

Submission:

PreventionGenetics, part of Exact Sciences
Classification: Benign for MEF2A-related condition. Last evaluated: 2019-05-14. Review status: no assertion criteria provided. Collection method: clinical testing. Allele origin: germline.
Comment: This variant is classified as benign based on ACMG/AMP sequence variant interpretation guidelines (Richards et al. 2015 PMID: 25741868, with internal and published modifications).

NM_001319206.4(MEF2A):c.611-8G>A

Gene: MEF2A (myocyte enhancer factor 2A; plus strand). Cytogenetic location: 15q26.3.
Variant type: single nucleotide variant.
Coding change: c.611-8G>A on transcript NM_001319206.4 (MANE Select); 8 bases into the intron before coding-DNA position 611, G replaced by A.
Molecular consequence: intron variant.
Genome position (GRCh38, 1-based): chr15:99,675,391, G>A. VCF-style: chr15-99675391-G-A. GRCh37 (hg19) VCF-style: chr15-100215596-G-A.
Other names: c.617-8G>A (NM_001400049.1, NM_001352617.4, NM_001400039.1 and 13 more transcripts); c.611-8G>A (NM_001400057.1, NM_001400064.1, NM_001400061.1 and 27 more transcripts); c.749-8G>A (NM_001400028.1); c.629-8G>A (NM_001365201.3, NM_001352618.4, NM_001400037.1 and 2 more transcripts); c.407-8G>A (NM_001365209.3, NM_001393559.2, NM_001130927.5 and 1 more transcripts); c.413-8G>A (NM_001393558.2, NM_001400067.1, NM_001400068.1); c.275-8G>A (NM_001400069.1); c.55-31338G>A (NM_001393561.3).
Identifiers: ClinVar variation 3041576 (VCV003041576.2), dbSNP rs530865200, ClinGen allele CA7755434.